The following is an entry in ClinVar:

NM_173477.5(USH1G):c.65G>A (p.Arg22Gln)

Gene: USH1G (USH1 protein network component sans; minus strand). Cytogenetic location: 17q25.1.
Variant type: single nucleotide variant.
Coding change: c.65G>A on transcript NM_173477.5 (MANE Select); coding-DNA position 65, G replaced by A.
Protein change: p.Arg22Gln; replaces arginine 22 with glutamine.
Molecular consequence: missense variant. On other transcripts: 5 prime UTR variant (1).
Genome position (GRCh38, 1-based): chr17:74,923,009, C>T on the plus strand (G>A on the coding strand, the complement: USH1G is on the minus strand). VCF-style: chr17-74923009-C-T. GRCh37 (hg19) VCF-style: chr17-72919104-C-T.
Other names: c.-192G>A (NM_001282489.3); short protein forms R22Q.
Identifiers: ClinVar variation 805739 (VCV000805739.6), dbSNP rs147705262, ClinGen allele CA8754137.

ClinVar aggregate classification (germline): Uncertain significance. Review status: criteria provided, multiple submitters, no conflicts (2 of 4 stars). 2 submissions from 2 submitters: Uncertain significance (2). Last evaluated 2022-08-16.

Allele frequency attached by ClinVar (database versions not stated): gnomAD 0.00007 and 0.00010; gnomAD exomes 0.00007 and 0.00010; TOPMed 0.00007; ESP Exome Variant Server 0.00015; ExAC 0.00018.
gnomAD v4.1: 111 of 1,575,010 alleles (0.007%); highest among the groups gnomAD compares: Admixed American, 0.035%; no homozygotes.

Submissions (2):

Labcorp Genetics (formerly Invitae), Labcorp
Classification: Uncertain significance. Last evaluated: 2022-08-16. Review status: criteria provided, single submitter. Criteria: Invitae Variant Classification Sherloc (09022015). Collection method: clinical testing. Allele origin: germline.
Comment: This sequence change replaces arginine, which is basic and polar, with glutamine, which is neutral and polar, at codon 22 of the USH1G protein (p.Arg22Gln). This variant is present in population databases (rs147705262, gnomAD 0.03%). This variant has not been reported in the literature in individuals affected with USH1G-related conditions. ClinVar contains an entry for this variant (Variation ID: 805739). Algorithms developed to predict the effect of missense changes on protein structure and function are either unavailable or do not agree on the potential impact of this missense change (SIFT: "Not Available"; PolyPhen-2: "Possibly Damaging"; Align-GVGD: "Not Available"). In summary, the available evidence is currently insufficient to determine the role of this variant in disease. Therefore, it has been classified as a Variant of Uncertain Significance.

Athena Diagnostics
Classification: Uncertain significance. Last evaluated: 2018-11-15. Review status: criteria provided, single submitter. Criteria: Athena Diagnostics Criteria. Collection method: clinical testing. Allele origin: germline.